The following is an entry in ClinVar:

ClinVar aggregate classification (germline): Uncertain significance (1 of 4 stars; one submission).

Conditions:
Hereditary cancer-predisposing syndrome. Also called: Neoplastic Syndromes, Hereditary; Hereditary Cancer Syndrome; Tumor predisposition; Hereditary neoplastic syndrome. Identifiers: Orphanet 140162, MedGen C0027672, MeSH D009386, MONDO:0015356.

Submission:

Ambry Genetics
Classification: Uncertain significance for Hereditary cancer-predisposing syndrome. Last evaluated: 2025-03-11. Review status: criteria provided, single submitter. Criteria: Ambry Variant Classification Scheme 2023. Collection method: clinical testing. Allele origin: germline.
Comment: The c.29_32dupGGCC variant, located in coding exon 1 of the POLD1 gene, results from a duplication of GGCC at nucleotide position 29, causing a translational frameshift with a predicted alternate stop codon (p.G12Afs*15). This alteration is expected to result in loss of function by premature protein truncation or nonsense-mediated mRNA decay. However, loss of function of POLD1 has not been established as a mechanism of disease. Based on the available evidence, the clinical significance of this alteration remains unclear.

NM_002691.4(POLD1):c.29_32dup (p.Gly12fs)

Gene: POLD1 (DNA polymerase delta 1, catalytic subunit; plus strand). Cytogenetic location: 19q13.33.
Variant type: Duplication.
Coding change: c.29_32dup on transcript NM_002691.4 (MANE Select); coding-DNA positions 29 to 32, 4 bases duplicated (GGCC; older notation c.29_32dupGGCC).
Protein change: p.Gly12fs; shifts the reading frame from glycine 12.
Molecular consequence: frameshift variant. On other transcripts: non-coding transcript variant (1).
Genome position (GRCh38, 1-based): chr19:50,398,880-50,398,883, GGCC duplicated. VCF-style (leftmost placement, unchanged base first): chr19-50398879-G-GGGCC. GRCh37 (hg19) VCF-style: chr19-50902136-G-GGGCC.
Other names: c.29_32dup, p.Gly12fs (NM_001256849.1, NM_001308632.1); short protein forms G12fs.
Identifiers: ClinVar variation 3781409 (VCV003781409.1).